The following is an entry in ClinVar:

NM_019023.5(PRMT7):c.820C>T (p.Arg274Ter)

Gene: PRMT7 (protein arginine methyltransferase 7; plus strand). Cytogenetic location: 16q22.1.
Variant type: single nucleotide variant.
Coding change: c.820C>T on transcript NM_019023.5 (MANE Select); coding-DNA position 820, C replaced by T.
Protein change: p.Arg274Ter; replaces arginine 274 with a stop codon.
Molecular consequence: nonsense. On other transcripts: non-coding transcript variant (12).
Genome position (GRCh38, 1-based): chr16:68,339,861, C>T. VCF-style: chr16-68339861-C-T. GRCh37 (hg19) VCF-style: chr16-68373764-C-T.
Other names: c.670C>T, p.Arg224Ter (NM_001184824.4); c.820C>T, p.Arg274Ter (NM_001290018.2, NM_001351143.3, NM_001351144.3 and 1 more transcripts); c.613C>T, p.Arg205Ter (NM_001378020.1); c.583C>T, p.Arg195Ter (NM_001378021.1, NM_001378022.1, NM_001378023.1); short protein forms R274*, R224*, R205*, R195*.
Identifiers: ClinVar variation 585047 (VCV000585047.15), dbSNP rs372375423, ClinGen allele CA8127227.

ClinVar aggregate classification (germline): Pathogenic/Likely pathogenic. Review status: criteria provided, multiple submitters, no conflicts (2 of 4 stars). 7 submissions from 7 submitters: Pathogenic (4); Likely pathogenic (3). Last evaluated 2025-10-13.

Conditions:
PRMT7-related disorder. Also called: PRMT7-related condition.
Short stature-brachydactyly-obesity-global developmental delay syndrome. Also called: SHORT STATURE, BRACHYDACTYLY, IMPAIRED INTELLECTUAL DEVELOPMENT, AND SEIZURES; Short stature, brachydactyly, intellectual developmental disability, and seizures. Identifiers: Orphanet 464288, MedGen C4310689, MONDO:0014944, OMIM 617157.
Inborn genetic diseases. Identifiers: MedGen C0950123, MeSH D030342.

Allele frequency attached by ClinVar (database versions not stated): TOPMed 0.00003; ESP Exome Variant Server 0.00008; gnomAD 0.00001.
gnomAD v4.1: 38 of 1,614,030 alleles (0.0024%); highest among the groups gnomAD compares: Non-Finnish European, 0.003%; no homozygotes.

Submissions (7):

GeneDx
Classification: Pathogenic. Last evaluated: 2025-10-13. Review status: criteria provided, single submitter. Criteria: GeneDx Variant Classification Process June 2021. Collection method: clinical testing. Allele origin: germline.
Comment: Nonsense variant predicted to result in protein truncation or nonsense mediated decay in a gene for which loss of function is a known mechanism of disease; This variant is associated with the following publications: (PMID: 36399134)

Labcorp Genetics (formerly Invitae), Labcorp
Classification: Pathogenic. Last evaluated: 2025-10-11. Review status: criteria provided, single submitter. Criteria: Invitae Variant Classification Sherloc (09022015). Collection method: clinical testing. Allele origin: germline.
Comment: This sequence change creates a premature translational stop signal (p.Arg274*) in the PRMT7 gene. It is expected to result in an absent or disrupted protein product. Loss-of-function variants in PRMT7 are known to be pathogenic (PMID: 26437029, 27718516). This variant is present in population databases (rs372375423, gnomAD 0.005%). This variant has not been reported in the literature in individuals affected with PRMT7-related conditions. ClinVar contains an entry for this variant (Variation ID: 585047). Algorithms developed to predict the effect of sequence changes on RNA splicing suggest that this variant may disrupt the consensus splice site. For these reasons, this variant has been classified as Pathogenic.

Ambry Genetics
Classification: Pathogenic for Inborn genetic diseases. Last evaluated: 2025-08-22. Review status: criteria provided, single submitter. Criteria: Ambry Variant Classification Scheme 2023. Collection method: clinical testing. Allele origin: germline.
Comment: The c.820C>T (p.R274*) alteration, located in exon 9 (coding exon 7) of the PRMT7 gene, consists of a C to T substitution at nucleotide position 820. This changes the amino acid from a arginine (R) to a stop codon at amino acid position 274. This alteration is expected to result in loss of function by premature protein truncation or nonsense-mediated mRNA decay. Based on data from gnomAD, this allele has an overall frequency of 0.003% (7/251474) total alleles studied. The highest observed frequency was 0.006% (7/113762) of European (non-Finnish) alleles. This variant has been identified in conjunction with other PRMT7 variant(s) in individuals with features consistent with PRMT7-related neurodevelopmental disorder (Cali, 2023). Based on the available evidence, this alteration is classified as pathogenic.

Institute for Clinical Genetics, University Hospital TU Dresden, University Hospital TU Dresden
Classification: Pathogenic. Last evaluated: 2021-11-03. Review status: criteria provided, single submitter. Criteria: ACMG Guidelines, 2015. Collection method: clinical testing. Allele origin: germline.

New York Genome Center
Classification: Likely pathogenic for Short stature-brachydactyly-obesity-global developmental delay syndrome. Last evaluated: 2021-05-27. Review status: criteria provided, single submitter. Criteria: NYGC Assertion Criteria 2020. Collection method: clinical testing. Allele origin: germline. Observed: 1 heterozygote. Study: CSER-NYCKidSeq.

Blueprint Genetics
Classification: Likely pathogenic for PRMT7-related disorders. Last evaluated: 2020-08-10. Review status: criteria provided, single submitter. Criteria: ACMG Guidelines, 2015. Collection method: clinical testing. Allele origin: germline. Affected: yes. Observed: 5 variant alleles.

Institute of Human Genetics, University of Leipzig Medical Center
Classification: Likely pathogenic for Short stature-brachydactyly-obesity-global developmental delay syndrome. Last evaluated: 2018-09-11. Review status: criteria provided, single submitter. Criteria: ACMG Guidelines, 2015. Collection method: clinical testing. Allele origin: germline. Affected: yes. Observed: 1 variant allele.
Comment: This variant was identified as homozygous

Literature cited by the submitters: PubMed 26437029 (cited by Labcorp Genetics (formerly Invitae), Labcorp); PubMed 27718516 (cited by Labcorp Genetics (formerly Invitae), Labcorp); PubMed 36399134 (cited by Ambry Genetics).